The following is an entry in ClinVar:

ClinVar aggregate classification (germline): Likely pathogenic (1 of 4 stars; one submission).

Submission:

GeneDx
Classification: Likely pathogenic. Last evaluated: 2023-10-25. Review status: criteria provided, single submitter. Criteria: GeneDx Variant Classification Process June 2021. Collection method: clinical testing. Allele origin: germline. Affected: yes.
Comment: Not observed at significant frequency in large population cohorts (gnomAD); In silico analysis supports that this missense variant does not alter protein structure/function; This variant is associated with the following publications: (PMID: 33504798)

NM_031407.7(HUWE1):c.4141A>G (p.Met1381Val)

Gene: HUWE1 (HECT, UBA and WWE domain containing E3 ubiquitin protein ligase 1; minus strand). Cytogenetic location: Xp11.22.
Variant type: single nucleotide variant.
Coding change: c.4141A>G on transcript NM_031407.7 (MANE Select); coding-DNA position 4141, A replaced by G.
Protein change: p.Met1381Val; replaces methionine 1381 with valine.
Molecular consequence: missense variant.
Genome position (GRCh38, 1-based): chrX:53,590,454, T>C on the plus strand (A>G on the coding strand, the complement: HUWE1 is on the minus strand). VCF-style: chrX-53590454-T-C. GRCh37 (hg19) VCF-style: chrX-53617414-T-C.
Other names: short protein forms M1381V.
Identifiers: ClinVar variation 3342370 (VCV003342370.1).